The following is an entry in ClinVar:

ClinVar aggregate classification (germline): Uncertain significance. Review status: criteria provided, multiple submitters, no conflicts (2 of 4 stars). 2 submissions from 2 submitters: Uncertain significance (2). Last evaluated 2025-03-20.

Conditions:
Hereditary cancer-predisposing syndrome. Also called: Hereditary neoplastic syndrome; Neoplastic Syndromes, Hereditary; Tumor predisposition; Hereditary Cancer Syndrome. Identifiers: Orphanet 140162, MedGen C0027672, MeSH D009386, MONDO:0015356.
Cardiovascular phenotype. Identifiers: MedGen CN230736.
Neurofibromatosis, type 1 (NF1). Also called: NEUROFIBROMATOSIS, TYPE I, SOMATIC; Peripheral type neurofibromatosis; VON RECKLINGHAUSEN DISEASE; Neurofibromatosis, type I. Identifiers: Orphanet 636, MedGen C0027831, MONDO:0018975, OMIM 162200. Disease mechanism: loss of function.

Allele frequency attached by ClinVar (database versions not stated): gnomAD exomes below 0.00001.
gnomAD v4.1: 4 of 1,613,964 alleles (0.00025%); highest among the groups gnomAD compares: Non-Finnish European, 0.00034%; no homozygotes.

Submissions (2):

Ambry Genetics
Classification: Uncertain significance for Cardiovascular phenotype; Hereditary cancer-predisposing syndrome. Last evaluated: 2025-03-20. Review status: criteria provided, single submitter. Criteria: Ambry Variant Classification Scheme 2023. Collection method: clinical testing. Allele origin: germline.
Comment: The p.E1402K variant (also known as c.4204G>A), located in coding exon 31 of the NF1 gene, results from a G to A substitution at nucleotide position 4204. The glutamic acid at codon 1402 is replaced by lysine, an amino acid with similar properties. This amino acid position is conserved. In addition, this alteration is predicted to be deleterious by in silico analysis. Based on the available evidence, the clinical significance of this variant remains unclear.

Labcorp Genetics (formerly Invitae), Labcorp
Classification: Uncertain significance for Neurofibromatosis, type 1. Last evaluated: 2024-05-06. Review status: criteria provided, single submitter. Criteria: Invitae Variant Classification Sherloc (09022015). Collection method: clinical testing. Allele origin: germline.
Comment: This sequence change replaces glutamic acid, which is acidic and polar, with lysine, which is basic and polar, at codon 1402 of the NF1 protein (p.Glu1402Lys). This variant is not present in population databases (gnomAD no frequency). This variant has not been reported in the literature in individuals affected with NF1-related conditions. ClinVar contains an entry for this variant (Variation ID: 1008786). Advanced modeling of protein sequence and biophysical properties (such as structural, functional, and spatial information, amino acid conservation, physicochemical variation, residue mobility, and thermodynamic stability) performed at Invitae indicates that this missense variant is expected to disrupt NF1 protein function with a positive predictive value of 95%. In summary, the available evidence is currently insufficient to determine the role of this variant in disease. Therefore, it has been classified as a Variant of Uncertain Significance.

NM_001042492.3(NF1):c.4267G>A (p.Glu1423Lys)

Gene: NF1 (neurofibromin 1; plus strand). Cytogenetic location: 17q11.2.
Variant type: single nucleotide variant.
Coding change: c.4267G>A on transcript NM_001042492.3 (MANE Select); coding-DNA position 4267, G replaced by A.
Protein change: p.Glu1423Lys; replaces glutamic acid 1423 with lysine.
Molecular consequence: missense variant.
Genome position (GRCh38, 1-based): chr17:31,258,437, G>A. VCF-style: chr17-31258437-G-A. GRCh37 (hg19) VCF-style: chr17-29585455-G-A.
Other names: c.4204G>A, p.Glu1402Lys (NM_000267.4); short protein forms E1402K, E1423K.
Identifiers: ClinVar variation 1008786 (VCV001008786.6), dbSNP rs2067622976, ClinGen allele CA398997949.